The following is an entry in ClinVar:

ClinVar aggregate classification (germline): Likely benign. Review status: criteria provided, single submitter (1 of 4 stars). 2 submissions from 2 submitters: Likely benign (1). 1 of the submissions does not count toward it. Last evaluated 2022-04-28.

Conditions:
DYRK1B-related disorder. Also called: DYRK1B-related condition.

Allele frequency attached by ClinVar (database versions not stated): TOPMed 0.00003; gnomAD 0.00005; gnomAD exomes 0.00008; ExAC 0.00015; 1000 Genomes Project 30x 0.00016; ESP Exome Variant Server 0.00023.
gnomAD v4.1: 119 of 1,613,856 alleles (0.0074%); highest among the groups gnomAD compares: Middle Eastern, 0.066%; no homozygotes.

Submissions (2):

Labcorp Genetics (formerly Invitae), Labcorp
Classification: Likely benign. Last evaluated: 2022-04-28. Review status: criteria provided, single submitter. Criteria: Invitae Variant Classification Sherloc (09022015). Collection method: clinical testing. Allele origin: germline.

PreventionGenetics, part of Exact Sciences
Classification: Likely benign for DYRK1B-related condition. Last evaluated: 2024-09-03. Review status: no assertion criteria provided. Collection method: clinical testing. Allele origin: germline. Not counted in ClinVar's aggregate classification.
Comment: This variant is classified as likely benign based on ACMG/AMP sequence variant interpretation guidelines (Richards et al. 2015 PMID: 25741868, with internal and published modifications).

NM_004714.3(DYRK1B):c.668C>T (p.Thr223Met)

Gene: DYRK1B (dual specificity tyrosine phosphorylation regulated kinase 1B; minus strand). Cytogenetic location: 19q13.2.
Variant type: single nucleotide variant.
Coding change: c.668C>T on transcript NM_004714.3 (MANE Select); coding-DNA position 668, C replaced by T.
Protein change: p.Thr223Met; replaces threonine 223 with methionine.
Molecular consequence: missense variant.
Genome position (GRCh38, 1-based): chr19:39,828,436, G>A on the plus strand (C>T on the coding strand, the complement: DYRK1B is on the minus strand). VCF-style: chr19-39828436-G-A. GRCh37 (hg19) VCF-style: chr19-40319076-G-A.
Other names: c.668C>T (NM_004714.2); c.668C>T, p.Thr223Met (NM_006483.3, NM_006484.3); short protein forms T223M.
Identifiers: ClinVar variation 2170851 (VCV002170851.7), dbSNP rs147484701, ClinGen allele CA9434239.
Genomic context (GRCh38, chr19:39,828,436, plus strand): 5'-TCGGGCTTGAGGTCGCAGTGAATGATGCTGAGCTCAGGCGTGGCCAGAAAGAGCAGTGCC[G>A]TGCAGAGCTGCTGCGCCAGCTTCCGGGTCAGGTTCAGCGAGACGCCGCGGAAGTGGGTGT-3'
Protein context (NP_004705.1, residues 213-233): LTRKLAQQLC[Thr223Met]ALLFLATPEL